The following is an entry in ClinVar:

NM_000536.4(RAG2):c.984del (p.Gly330fs)

Gene: RAG2 (recombination activating 2; minus strand). Cytogenetic location: 11p12.
Variant type: Deletion.
Coding change: c.984del on transcript NM_000536.4 (MANE Select); coding-DNA position 984, one base deleted (T; older notation c.984delT).
Protein change: p.Gly330fs; shifts the reading frame from glycine 330.
Molecular consequence: frameshift variant.
Genome position (GRCh38, 1-based): chr11:36,593,185, A deleted on the plus strand (T on the coding strand, the reverse complement: RAG2 is on the minus strand); the first of 5 consecutive A bases (chr11:36,593,185-36,593,189); deleting any one gives the same sequence. VCF-style (leftmost placement, unchanged base first): chr11-36593184-GA-G. GRCh37 (hg19) VCF-style: chr11-36614734-GA-G.
Other names: c.984del, p.Gly330fs (NM_001243785.2, NM_001243786.2); short protein forms G330fs.
Identifiers: ClinVar variation 2947005 (VCV002947005.4), dbSNP rs2494791448, ClinGen allele CA2740093709.

ClinVar aggregate classification (germline): Pathogenic. Review status: criteria provided, multiple submitters, no conflicts (2 of 4 stars). 2 submissions from 2 submitters: Pathogenic (2). Last evaluated 2025-10-23.

Conditions:
Recombinase activating gene 2 deficiency. Also called: RAG2 deficiency. Identifiers: MedGen CN257931, MONDO:0000573.
Combined immunodeficiency with skin granulomas. Identifiers: Orphanet 157949, MedGen C2673536, MONDO:0009306, OMIM 233650.
Severe combined immunodeficiency, autosomal recessive, T cell-negative, B cell-negative, NK cell-positive. Also called: Severe combined immunodeficiency due to complete RAG1/2 deficiency; SCID, AR, T-cell negative, B-cell negative, NK cell-positive; SCID, T CELL-NEGATIVE, B CELL-NEGATIVE, NK CELL-POSITIVE. Identifiers: Orphanet 331206, MedGen C1832322, MONDO:0011086, OMIM 601457.

Submissions (2):

Myriad Genetics, Inc.
Classification: Pathogenic for Recombinase activating gene 2 deficiency. Last evaluated: 2025-10-23. Review status: criteria provided, single submitter. Criteria: Myriad Autosomal Dominant, Autosomal Recessive and X-Linked Classification Criteria (2023). Collection method: clinical testing. Allele origin: unknown.
Comment: NM_001243785.1(RAG2):c.984delT(G330Afs*19) is a frameshift variant classified as pathogenic in the context of severe combined immunodeficiency, RAG2-related. G330Afs*19 has not been observed in cases with relevant disease. Relevant functional assessments of this variant are not available in the literature. G330Afs*19 has not been observed in referenced population frequency databases. In summary, NM_001243785.1(RAG2):c.984delT(G330Afs*19) is a frameshift variant in a gene where loss of function is a known mechanism of disease and is predicted to disrupt protein function. Please note: this variant was assessed in the context of healthy population screening.

Labcorp Genetics (formerly Invitae), Labcorp
Classification: Pathogenic for Combined immunodeficiency with skin granulomas; Severe combined immunodeficiency, autosomal recessive, T cell-negative, B cell-negative, NK cell-positive. Last evaluated: 2023-04-22. Review status: criteria provided, single submitter. Criteria: Invitae Variant Classification Sherloc (09022015). Collection method: clinical testing. Allele origin: germline.
Comment: For these reasons, this variant has been classified as Pathogenic. This variant disrupts a region of the RAG2 protein in which other variant(s) (p.Glu480*) have been determined to be pathogenic (PMID: 21624848, 29772310). This suggests that this is a clinically significant region of the protein, and that variants that disrupt it are likely to be disease-causing. This variant has not been reported in the literature in individuals affected with RAG2-related conditions. This variant is not present in population databases (gnomAD no frequency). This sequence change creates a premature translational stop signal (p.Gly330Alafs*19) in the RAG2 gene. While this is not anticipated to result in nonsense mediated decay, it is expected to disrupt the last 198 amino acid(s) of the RAG2 protein.

Literature cited by the submitters: PubMed 21624848 (cited by Labcorp Genetics (formerly Invitae), Labcorp); PubMed 29772310 (cited by Labcorp Genetics (formerly Invitae), Labcorp).